The following is an entry in ClinVar:

NM_007348.4(ATF6):c.257T>C (p.Ile86Thr)

Gene: ATF6 (activating transcription factor 6; plus strand). Cytogenetic location: 1q23.3.
Variant type: single nucleotide variant.
Coding change: c.257T>C on transcript NM_007348.4 (MANE Select); coding-DNA position 257, T replaced by C.
Protein change: p.Ile86Thr; replaces isoleucine 86 with threonine.
Molecular consequence: missense variant.
Genome position (GRCh38, 1-based): chr1:161,783,999, T>C. VCF-style: chr1-161783999-T-C. GRCh37 (hg19) VCF-style: chr1-161753789-T-C.
Other names: short protein forms I86T.
Identifiers: ClinVar variation 1494786 (VCV001494786.7), dbSNP rs768558075, ClinGen allele CA1214154.

ClinVar aggregate classification (germline): Uncertain significance (1 of 4 stars; one submission).

Allele frequency attached by ClinVar (database versions not stated): ExAC 0.00001; gnomAD 0.00001; gnomAD exomes 0.00001; TOPMed 0.00001.
gnomAD v4.1: 12 of 1,610,456 alleles (0.00075%); highest among the groups gnomAD compares: South Asian, 0.011%; no homozygotes.

Submission:

Labcorp Genetics (formerly Invitae), Labcorp
Classification: Uncertain significance. Last evaluated: 2024-08-30. Review status: criteria provided, single submitter. Criteria: Invitae Variant Classification Sherloc (09022015). Collection method: clinical testing. Allele origin: germline.
Comment: This sequence change replaces isoleucine, which is neutral and non-polar, with threonine, which is neutral and polar, at codon 86 of the ATF6 protein (p.Ile86Thr). This variant is present in population databases (rs768558075, gnomAD 0.01%). This variant has not been reported in the literature in individuals affected with ATF6-related conditions. ClinVar contains an entry for this variant (Variation ID: 1494786). Invitae Evidence Modeling of protein sequence and biophysical properties (such as structural, functional, and spatial information, amino acid conservation, physicochemical variation, residue mobility, and thermodynamic stability) indicates that this missense variant is not expected to disrupt ATF6 protein function with a negative predictive value of 80%. In summary, the available evidence is currently insufficient to determine the role of this variant in disease. Therefore, it has been classified as a Variant of Uncertain Significance.